The following is an entry in ClinVar:

NM_013432.5(TONSL):c.788G>A (p.Arg263Gln)

Gene: TONSL (tonsoku like, DNA repair protein; minus strand). Cytogenetic location: 8q24.3.
Variant type: single nucleotide variant.
Coding change: c.788G>A on transcript NM_013432.5 (MANE Select); coding-DNA position 788, G replaced by A.
Protein change: p.Arg263Gln; replaces arginine 263 with glutamine.
Molecular consequence: missense variant.
Genome position (GRCh38, 1-based): chr8:144,442,114, C>T on the plus strand (G>A on the coding strand, the complement: TONSL is on the minus strand). VCF-style: chr8-144442114-C-T. GRCh37 (hg19) VCF-style: chr8-145667497-C-T.
Other names: c.788G>A (NM_013432.4); short protein forms R263Q.
Identifiers: ClinVar variation 1401988 (VCV001401988.6), dbSNP rs752858789, ClinGen allele CA4943495.

ClinVar aggregate classification (germline): Uncertain significance. Review status: criteria provided, multiple submitters, no conflicts (2 of 4 stars). 2 submissions from 2 submitters: Uncertain significance (2). Last evaluated 2025-08-13.

Conditions:
Inborn genetic diseases. Identifiers: MedGen C0950123, MeSH D030342.

Allele frequency attached by ClinVar (database versions not stated): gnomAD exomes 0.00001 and 0.00002; ExAC 0.00002; gnomAD 0.00002; TOPMed 0.00002.

Submissions (2):

Ambry Genetics
Classification: Uncertain significance for Inborn genetic diseases. Last evaluated: 2025-08-13. Review status: criteria provided, single submitter. Criteria: Ambry Variant Classification Scheme 2023. Collection method: clinical testing. Allele origin: germline.

Labcorp Genetics (formerly Invitae), Labcorp
Classification: Uncertain significance. Last evaluated: 2022-06-11. Review status: criteria provided, single submitter. Criteria: Invitae Variant Classification Sherloc (09022015). Collection method: clinical testing. Allele origin: germline.
Comment: This sequence change replaces arginine, which is basic and polar, with glutamine, which is neutral and polar, at codon 263 of the TONSL protein (p.Arg263Gln). This variant is present in population databases (rs752858789, gnomAD 0.01%). This variant has not been reported in the literature in individuals affected with TONSL-related conditions. Algorithms developed to predict the effect of missense changes on protein structure and function are either unavailable or do not agree on the potential impact of this missense change (SIFT: "Tolerated"; PolyPhen-2: "Probably Damaging"; Align-GVGD: "Class C0"). In summary, the available evidence is currently insufficient to determine the role of this variant in disease. Therefore, it has been classified as a Variant of Uncertain Significance.